The following is an entry in ClinVar:

ClinVar aggregate classification (germline): Uncertain significance (1 of 4 stars; one submission).

Conditions:
Bethlem myopathy 1A. Also called: MYOPATHY, BENIGN CONGENITAL, WITH CONTRACTURES; Bethlem Muscular Dystrophy; Bethlem myopathy 1. Identifiers: Orphanet 610, MedGen CN029274, MONDO:0024530, OMIM 158810.

Allele frequency attached by ClinVar (database versions not stated): TOPMed 0.00001.

Submission:

Labcorp Genetics (formerly Invitae), Labcorp
Classification: Uncertain significance for Bethlem myopathy 1A. Last evaluated: 2020-11-11. Review status: criteria provided, single submitter. Criteria: Invitae Variant Classification Sherloc (09022015). Collection method: clinical testing. Allele origin: germline.
Comment: This variant is not present in population databases (ExAC no frequency). This variant has not been reported in the literature in individuals with COL6A1-related conditions. Algorithms developed to predict the effect of missense changes on protein structure and function are either unavailable or do not agree on the potential impact of this missense change (SIFT: "Deleterious"; PolyPhen-2: "Probably Damaging"; Align-GVGD: "Class C0"). In summary, the available evidence is currently insufficient to determine the role of this variant in disease. Therefore, it has been classified as a Variant of Uncertain Significance. This sequence change replaces glycine with valine at codon 612 of the COL6A1 protein (p.Gly612Val). The glycine residue is highly conserved and there is a moderate physicochemical difference between glycine and valine.

NM_001848.3(COL6A1):c.1835G>T (p.Gly612Val)

Gene: COL6A1 (collagen type VI alpha 1 chain; plus strand). Cytogenetic location: 21q22.3.
Variant type: single nucleotide variant.
Coding change: c.1835G>T on transcript NM_001848.3 (MANE Select); coding-DNA position 1835, G replaced by T.
Protein change: p.Gly612Val; replaces glycine 612 with valine.
Molecular consequence: missense variant.
Genome position (GRCh38, 1-based): chr21:46,001,265, G>T. VCF-style: chr21-46001265-G-T. GRCh37 (hg19) VCF-style: chr21-47421179-G-T.
Other names: short protein forms G612V.
Identifiers: ClinVar variation 1426222 (VCV001426222.10), dbSNP rs1222901174, ClinGen allele CA410533038.